The following is an entry in ClinVar:

ClinVar aggregate classification (germline): Pathogenic. Review status: criteria provided, multiple submitters, no conflicts (2 of 4 stars). 3 submissions from 3 submitters: Pathogenic (3). Last evaluated 2025-03-28.

Conditions:
Familial adenomatous polyposis 1 (FAP1). Also called: FAMILIAL ADENOMATOUS POLYPOSIS 1, ATTENUATED; POLYPOSIS, ADENOMATOUS INTESTINAL. Identifiers: MedGen C2713442, MONDO:0021056, OMIM 175100. Disease mechanism: loss of function.
Hereditary cancer-predisposing syndrome. Also called: Hereditary Cancer Syndrome; Neoplastic Syndromes, Hereditary; Hereditary neoplastic syndrome; Tumor predisposition. Identifiers: Orphanet 140162, MedGen C0027672, MeSH D009386, MONDO:0015356.

Allele frequency attached by ClinVar (database versions not stated): gnomAD exomes below 0.00001.

Submissions (3):

Myriad Genetics, Inc.
Classification: Pathogenic for Familial adenomatous polyposis 1. Last evaluated: 2025-03-28. Review status: criteria provided, single submitter. Criteria: Myriad Autosomal Dominant, Autosomal Recessive and X-Linked Classification Criteria (2023). Collection method: clinical testing. Allele origin: unknown.
Comment: This variant is considered pathogenic. This variant creates a frameshift predicted to result in premature protein truncation.

Labcorp Genetics (formerly Invitae), Labcorp
Classification: Pathogenic for Familial adenomatous polyposis 1. Last evaluated: 2020-07-09. Review status: criteria provided, single submitter. Criteria: Invitae Variant Classification Sherloc (09022015). Collection method: clinical testing. Allele origin: germline.
Comment: For these reasons, this variant has been classified as Pathogenic. A different truncation (p.Tyr2645Lysfs*14) that lies downstream of this variant has been determined to be pathogenic (PMID: 9824584, 1316610, 27081525, 8381579, 22135120, Invitae). This suggests that deletion of this region of the APC protein is causative of disease. This variant is expected to disrupt the EB1 and HDLG binding sites, which mediate interactions with the cytoskeleton (PMID: 15311282, 17293347). While functional studies have not been performed to directly test the effect on APC protein function, this suggests that disruption of the C-terminal portion of the protein is functionally important. This variant has not been reported in the literature in individuals with APC-related conditions. ClinVar contains an entry for this variant (Variation ID: 429051). This variant is not present in population databases (ExAC no frequency). This sequence change results in a premature translational stop signal in the APC gene (p.Ser969Thrfs*2). While this is not anticipated to result in nonsense mediated decay, it is expected to disrupt the last 1875 amino acids of the APC protein.

Ambry Genetics
Classification: Pathogenic for Hereditary cancer-predisposing syndrome. Last evaluated: 2018-03-02. Review status: criteria provided, single submitter. Criteria: Ambry Variant Classification Scheme 2023. Collection method: clinical testing. Allele origin: germline.
Comment: The c.2905_2906insC pathogenic mutation, located in coding exon 15 of the APC gene, results from an insertion of one nucleotide at position 2905, causing a translational frameshift with a predicted alternate stop codon (p.S969Tfs*2). This alteration is expected to result in loss of function by premature protein truncation. As such, this alteration is interpreted as a disease-causing mutation.

Literature cited by the submitters: PubMed 9824584 (cited by Labcorp Genetics (formerly Invitae), Labcorp); PubMed 1316610 (cited by Labcorp Genetics (formerly Invitae), Labcorp); PubMed 27081525 (cited by Labcorp Genetics (formerly Invitae), Labcorp); PubMed 8381579 (cited by Labcorp Genetics (formerly Invitae), Labcorp); PubMed 22135120 (cited by Labcorp Genetics (formerly Invitae), Labcorp); PubMed 15311282 (cited by Labcorp Genetics (formerly Invitae), Labcorp); PubMed 17293347 (cited by Labcorp Genetics (formerly Invitae), Labcorp).

NM_000038.6(APC):c.2905_2906insC (p.Ser969fs)

Gene: APC (APC regulator of Wnt signaling pathway; plus strand). Cytogenetic location: 5q22.2.
Variant type: Insertion.
Coding change: c.2905_2906insC on transcript NM_000038.6 (MANE Select); coding-DNA positions 2905 to 2906, C inserted.
Protein change: p.Ser969fs; shifts the reading frame from serine 969.
Molecular consequence: frameshift variant.
Genome position: GRCh38 VCF-style: chr5-112838499-A-AC. GRCh37 (hg19) VCF-style: chr5-112174196-A-AC.
Other names: c.2905_2906insC, p.Ser969fs (NM_001127510.3, NM_001354895.2); c.2851_2852insC, p.Ser951fs (NM_001127511.3); c.2959_2960insC, p.Ser987fs (NM_001354896.2); c.2935_2936insC, p.Ser979fs (NM_001354897.2); c.2830_2831insC, p.Ser944fs (NM_001354898.2); c.2821_2822insC, p.Ser941fs (NM_001354899.2); c.2782_2783insC, p.Ser928fs (NM_001354900.2); c.2728_2729insC, p.Ser910fs (NM_001354901.2); and 5 more; short protein forms S686fs, S809fs, S843fs, S878fs, S987fs, S910fs, S928fs, S941fs.
Identifiers: ClinVar variation 429051 (VCV000429051.16), dbSNP rs1131691139, ClinGen allele CA645369367.
Genomic context (GRCh38, chr5:112,838,499, plus strand): 5'-ATGCCTTATGCCAAATTAGAATACAAGAGATCTTCAAATGATAGTTTAAATAGTGTCAGT[A>AC]GTAGTGATGGTTATGGTAAAAGAGGTCAAATGAAACCCTCGATTGAATCCTATTCTGAAG-3'